The following is an entry in ClinVar:

ClinVar aggregate classification (germline): Uncertain significance. Review status: criteria provided, multiple submitters, no conflicts (2 of 4 stars). 2 submissions from 2 submitters: Uncertain significance (2). Last evaluated 2024-10-15.

gnomAD v4.1: 5 of 1,548,588 alleles (0.00032%); highest among the groups gnomAD compares: Admixed American, 0.0099%; no homozygotes.

Submissions (2):

Labcorp Genetics (formerly Invitae), Labcorp
Classification: Uncertain significance. Last evaluated: 2024-10-15. Review status: criteria provided, single submitter. Criteria: Invitae Variant Classification Sherloc (09022015). Collection method: clinical testing. Allele origin: germline.
Comment: This sequence change replaces aspartic acid, which is acidic and polar, with valine, which is neutral and non-polar, at codon 364 of the COL4A2 protein (p.Asp364Val). This variant is not present in population databases (gnomAD no frequency). This variant has not been reported in the literature in individuals affected with COL4A2-related conditions. ClinVar contains an entry for this variant (Variation ID: 1923482). Invitae Evidence Modeling of protein sequence and biophysical properties (such as structural, functional, and spatial information, amino acid conservation, physicochemical variation, residue mobility, and thermodynamic stability) indicates that this missense variant is not expected to disrupt COL4A2 protein function with a negative predictive value of 95%. In summary, the available evidence is currently insufficient to determine the role of this variant in disease. Therefore, it has been classified as a Variant of Uncertain Significance.

Blueprint Genetics
Classification: Uncertain significance. Last evaluated: 2019-01-04. Review status: criteria provided, single submitter. Criteria: ACMG Guidelines, 2015. Collection method: clinical testing. Allele origin: germline.

NM_001846.4(COL4A2):c.1091A>T (p.Asp364Val)

Gene: COL4A2 (collagen type IV alpha 2 chain; plus strand). Cytogenetic location: 13q34.
Variant type: single nucleotide variant.
Coding change: c.1091A>T on transcript NM_001846.4 (MANE Select); coding-DNA position 1091, A replaced by T.
Protein change: p.Asp364Val; replaces aspartic acid 364 with valine.
Molecular consequence: missense variant.
Genome position (GRCh38, 1-based): chr13:110,449,691, A>T. VCF-style: chr13-110449691-A-T. GRCh37 (hg19) VCF-style: chr13-111102038-A-T.
Other names: short protein forms D364V.
Identifiers: ClinVar variation 1923482 (VCV001923482.6), dbSNP rs2502093212, ClinGen allele CA388733966.
Genomic context (GRCh38, chr13:110,449,691, plus strand): 5'-CCGTAGACCACGGTCTTGTTCTTACTGTGGGACTTGTTTCCCTTCCAGGTGCCAGAGGTG[A>T]CCCGGGATTCCCAGGGGCCCAAGGGGAGCCAGGAAGCCAGGGTGAGCCAGGAGACCCGGG-3'
Protein context (NP_001837.2, residues 354-374): HPSLAKGARG[Asp364Val]PGFPGAQGEP